The following is an entry in ClinVar:

NM_007325.5(GRIA3):c.458T>C (p.Leu153Pro)

Gene: GRIA3 (glutamate ionotropic receptor AMPA type subunit 3; plus strand). Cytogenetic location: Xq25.
Variant type: single nucleotide variant.
Coding change: c.458T>C on transcript NM_007325.5 (MANE Select); coding-DNA position 458, T replaced by C.
Protein change: p.Leu153Pro; replaces leucine 153 with proline.
Molecular consequence: missense variant.
Genome position (GRCh38, 1-based): chrX:123,253,492, T>C. VCF-style: chrX-123253492-T-C. GRCh37 (hg19) VCF-style: chrX-122387343-T-C.
Other names: c.458T>C, p.Leu153Pro (NM_000828.5); short protein forms L153P.
Identifiers: ClinVar variation 2701720 (VCV002701720.3), dbSNP rs2520693609, ClinGen allele CA414260798.

ClinVar aggregate classification (germline): Uncertain significance (1 of 4 stars; one submission).

Submission:

Labcorp Genetics (formerly Invitae), Labcorp
Classification: Uncertain significance. Last evaluated: 2025-10-13. Review status: criteria provided, single submitter. Criteria: Invitae Variant Classification Sherloc (09022015). Collection method: clinical testing. Allele origin: germline.
Comment: This sequence change replaces leucine, which is neutral and non-polar, with proline, which is neutral and non-polar, at codon 153 of the GRIA3 protein (p.Leu153Pro). This variant is not present in population databases (gnomAD no frequency). This variant has not been reported in the literature in individuals affected with GRIA3-related conditions. ClinVar contains an entry for this variant (Variation ID: 2701720). Invitae Evidence Modeling of protein sequence and biophysical properties (such as structural, functional, and spatial information, amino acid conservation, physicochemical variation, residue mobility, and thermodynamic stability) indicates that this missense variant is expected to disrupt GRIA3 protein function with a positive predictive value of 80%. In summary, the available evidence is currently insufficient to determine the role of this variant in disease. Therefore, it has been classified as a Variant of Uncertain Significance.